The following is an entry in ClinVar:

ClinVar aggregate classification (germline): Likely pathogenic (1 of 4 stars; one submission).

Allele frequency attached by ClinVar (database versions not stated): gnomAD exomes below 0.00001; TOPMed below 0.00001.

Submission:

GeneDx
Classification: Likely pathogenic. Last evaluated: 2018-05-29. Review status: criteria provided, single submitter. Criteria: GeneDx Variant Classification (06012015). Collection method: clinical testing. Allele origin: germline. Affected: yes.
Comment: The W219X nonsense variant in the NHLRC1 gene has been reported previously in association with biopsy-confirmed Lafora disease; however, information about parental testing was not provided (Gomez-Abad et al., 2005). This likely pathogenic variant is predicted to cause loss of normal protein function through protein truncation as the last 177 amino acids of the NHLRC1 protein are lost. The W219X variant is not observed in large population cohorts (Lek et al., 2016). Therefore, this variant is likely pathogenic; however, the possibility that it is benign cannot be excluded.

NM_198586.3(NHLRC1):c.656G>A (p.Trp219Ter)

Gene: NHLRC1 (NHL repeat containing E3 ubiquitin protein ligase 1; minus strand). Cytogenetic location: 6p22.3.
Variant type: single nucleotide variant.
Coding change: c.656G>A on transcript NM_198586.3 (MANE Select); coding-DNA position 656, G replaced by A.
Protein change: p.Trp219Ter; replaces tryptophan 219 with a stop codon.
Molecular consequence: nonsense.
Genome position (GRCh38, 1-based): chr6:18,121,951, C>T on the plus strand (G>A on the coding strand, the complement: NHLRC1 is on the minus strand). VCF-style: chr6-18121951-C-T. GRCh37 (hg19) VCF-style: chr6-18122182-C-T.
Other names: short protein forms W219*.
Identifiers: ClinVar variation 546091 (VCV000546091.2), dbSNP rs1554136440, ClinGen allele CA362826682.